The following is an entry in ClinVar:

NM_000059.4(BRCA2):c.4808A>C (p.Asn1603Thr)

Gene: BRCA2 (BRCA2 DNA repair associated; plus strand). Cytogenetic location: 13q13.1.
Variant type: single nucleotide variant.
Coding change: c.4808A>C on transcript NM_000059.4 (MANE Select); coding-DNA position 4808, A replaced by C.
Protein change: p.Asn1603Thr; replaces asparagine 1603 with threonine.
Molecular consequence: missense variant.
Genome position (GRCh38, 1-based): chr13:32,339,163, A>C. VCF-style: chr13-32339163-A-C. GRCh37 (hg19) VCF-style: chr13-32913300-A-C.
Other names: short protein forms N1603T.
Identifiers: ClinVar variation 639432 (VCV000639432.10), dbSNP rs890665355, ClinGen allele CA387783274.
Genomic context (GRCh38, chr13:32,339,163, plus strand): 5'-TTGAGATCACAGCTGCCCCAAAGTGTAAAGAAATGCAGAATTCTCTCAATAATGATAAAA[A>C]CCTTGTTTCTATTGAGACTGTGGTGCCACCTAAGCTCTTAAGTGATAATTTATGTAGACA-3'
Protein context (NP_000050.3, residues 1593-1613): EMQNSLNNDK[Asn1603Thr]LVSIETVVPP

ClinVar aggregate classification (germline): Conflicting classifications of pathogenicity. Review status: criteria provided, conflicting classifications (1 of 4 stars). 2 submissions from 2 submitters: Uncertain significance (1); Likely benign (1). Last evaluated 2023-03-23.

Conditions:
Hereditary cancer-predisposing syndrome. Also called: Neoplastic Syndromes, Hereditary; Tumor predisposition; Hereditary Cancer Syndrome; Hereditary neoplastic syndrome. Identifiers: Orphanet 140162, MedGen C0027672, MeSH D009386, MONDO:0015356.
Hereditary breast ovarian cancer syndrome. Also called: Hereditary breast and ovarian cancer; Hereditary breast and ovarian cancer syndrome (HBOC); BRCA1- and BRCA2-Associated Hereditary Breast and Ovarian Cancer; Hereditary breast and ovarian cancer syndrome; Hereditary breast and/or ovarian cancer syndrome; Breast and ovarian cancer. Identifiers: Orphanet 145, MedGen C0677776, MeSH D061325, MONDO:0003582. Disease mechanism: loss of function.

Submissions (2):

University of Washington Department of Laboratory Medicine, University of Washington
Classification: Likely benign for Hereditary cancer-predisposing syndrome. Last evaluated: 2023-03-23. Review status: criteria provided, single submitter. Criteria: Dines et al. (Genet Med. 2020). Collection method: curation. Allele origin: germline.
Comment: Missense variant in a coldspot region where missense variants are very unlikely to be pathogenic (PMID:31911673).

BRCA2 exon 11 coldspot. Reclassification based on statistical prior probability.

Labcorp Genetics (formerly Invitae), Labcorp
Classification: Uncertain significance for Hereditary breast ovarian cancer syndrome. Last evaluated: 2022-04-02. Review status: criteria provided, single submitter. Criteria: Invitae Variant Classification Sherloc (09022015). Collection method: clinical testing. Allele origin: germline.
Comment: This sequence change replaces asparagine, which is neutral and polar, with threonine, which is neutral and polar, at codon 1603 of the BRCA2 protein (p.Asn1603Thr). This variant is not present in population databases (gnomAD no frequency). This missense change has been observed in individual(s) with BRCA2-related conditions (PMID: 21520333). ClinVar contains an entry for this variant (Variation ID: 639432). Advanced modeling of protein sequence and biophysical properties (such as structural, functional, and spatial information, amino acid conservation, physicochemical variation, residue mobility, and thermodynamic stability) performed at Invitae indicates that this missense variant is not expected to disrupt BRCA2 protein function. In summary, the available evidence is currently insufficient to determine the role of this variant in disease. Therefore, it has been classified as a Variant of Uncertain Significance.

Literature cited by the submitters: PubMed 21520333 (cited by Labcorp Genetics (formerly Invitae), Labcorp).